The following is an entry in ClinVar:

NM_000044.6(AR):c.1370GCG[19] (p.Gly472_Gly473dup)

Gene: AR (androgen receptor; plus strand). Cytogenetic location: Xq12.
Variant type: Microsatellite.
Coding change: c.1370GCG[19] on transcript NM_000044.6 (MANE Select); 19 copies in a row of the 3-base unit GCG starting at c.1370; the reference has 17 copies in a row; two copies, 6 bases duplicated; also written c.1415_1420dup.
Protein change: p.Gly472_Gly473dup.
Molecular consequence: inframe insertion. On other transcripts: 5 prime UTR variant (1).
Genome position (GRCh38, 1-based): chrX:67,546,561-67,546,566, GCGGCG duplicated; duplicating any 6 consecutive bases within chrX:67,546,515-67,546,566 gives the same sequence; the position shown is the placement nearest the transcript's 3' end. VCF-style (leftmost placement, unchanged base first): chrX-67546514-T-TGGCGGC. GRCh37 (hg19) VCF-style: chrX-66766356-T-TGGCGGC.
Other names: c.1415_1420dup (NM_000044.6); c.1415_1420dup6 (NM_000044.3); c.1415_1420dupGCGGCG (NM_000044.6); c.-414GCG[19] (NM_001011645.3); c.1370GCG[19], p.Gly472_Gly473dup (NM_001348061.1, NM_001348063.1, NM_001348064.1).
Identifiers: ClinVar variation 434265 (VCV000434265.57), dbSNP rs746853821, ClinGen allele CA517048804.

ClinVar aggregate classification (germline): Benign/Likely benign. Review status: criteria provided, multiple submitters, no conflicts (2 of 4 stars). 7 submissions from 7 submitters: Benign (2); Likely benign (4). 1 of the submissions does not count toward it. Last evaluated 2025-12-30.

Conditions:
Androgen resistance syndrome (AIS). Also called: DHTR DEFICIENCY; Androgen insensitivity; ANDROGEN RECEPTOR DEFICIENCY; Androgen insensitivity syndrome; DIHYDROTESTOSTERONE RECEPTOR DEFICIENCY; Androgen insensitivity, complete. Identifiers: Orphanet 754, Orphanet 99429, MedGen C0039585, MONDO:0019154, OMIM 300068. Disease mechanism: loss of function.
Kennedy disease (SMAX1). Also called: SPINAL AND BULBAR MUSCULAR ATROPHY, X-LINKED 1; Spinal and Bulbar Muscular Atrophy; KENNEDY SPINAL AND BULBAR MUSCULAR ATROPHY. Identifiers: Orphanet 481, MedGen C1839259, MONDO:0010735, OMIM 313200.
AR-related disorder. Also called: AR-related condition.
Prostate cancer. Also called: Malignant tumor of prostate. Identifiers: Orphanet 1331, MedGen C0376358, MONDO:0008315, HP:0012125.
Hypospadias 1, X-linked (HYSP1). Identifiers: Orphanet 440, MedGen C2678098, MONDO:0010384, OMIM 300633.
Partial androgen insensitivity syndrome (PAIS). Also called: ANDROGEN INSENSITIVITY, PARTIAL, WITH OR WITHOUT BREAST CANCER; Reifenstein syndrome; Pseudohermaphroditism, Incomplete male, type I; Reifenstein syndrome, partial; Androgen resistance syndrome, partial; Type I familial incomplete male pseudohermaphroditism. Identifiers: Orphanet 90797, MedGen C0268301, MONDO:0010720, OMIM 312300.

Submissions (7):

Labcorp Genetics (formerly Invitae), Labcorp
Classification: Likely benign for Kennedy disease; Androgen resistance syndrome. Last evaluated: 2025-12-30. Review status: criteria provided, single submitter. Criteria: Invitae Variant Classification Sherloc (09022015). Collection method: clinical testing. Allele origin: germline.

Laboratory of Genetics, Children's Clinical University Hospital Latvia
Classification: Likely benign. Last evaluated: 2025-02-16. Review status: criteria provided, single submitter. Criteria: ACMG Guidelines, 2015. Collection method: clinical testing. Allele origin: germline. Affected: yes.

Women's Health and Genetics/Laboratory Corporation of America, LabCorp
Classification: Benign. Last evaluated: 2024-05-14. Review status: criteria provided, single submitter. Criteria: LabCorp Variant Classification Summary - May 2015. Collection method: clinical testing. Allele origin: germline.
Comment: Variant summary: AR c.1415_1420dupGCGGCG (p.Gly472_Gly473dup) results in an in-frame duplication that is predicted to duplicate two amino acids into the encoded protein. The variant allele was found at a frequency of 0.019 in 558277 control chromosomes in the gnomAD database, including 201 homozygotes. The observed variant frequency is above the estimated maximal expected allele frequency for a pathogenic variant in AR causing Androgen Resistance Syndrome strongly suggesting that the variant is benign. c.1415_1420dupGCGGCG has been reported in the literature in an individual affected with Androgen Resistance Syndrome (Wu_2018). These data do not allow any conclusion about variant significance. To our knowledge, no experimental evidence demonstrating an impact on protein function has been reported. The following publication have been ascertained in the context of this evaluation (PMID: 29693241). ClinVar contains an entry for this variant (Variation ID: 434265). Based on the evidence outlined above, the variant was classified as benign.

CeGaT Center for Human Genetics Tuebingen
Classification: Benign. Last evaluated: 2023-07-01. Review status: criteria provided, single submitter. Criteria: CeGaT Center For Human Genetics Tuebingen Variant Classification Criteria Version 2. Collection method: clinical testing. Allele origin: germline. Affected: yes. Observed: 6 variant alleles.
Comment: AR: BS1, BS2

Fulgent Genetics
Classification: Likely benign for Familial prostate cancer; Androgen resistance syndrome; Hypospadias 1, X-linked; Partial androgen insensitivity syndrome; Kennedy disease. Last evaluated: 2022-02-14. Review status: criteria provided, single submitter. Criteria: ACMG Guidelines, 2015. Collection method: clinical testing. Allele origin: unknown.

Genetic Services Laboratory, University of Chicago
Classification: Likely benign. Last evaluated: 2016-10-04. Review status: criteria provided, single submitter. Criteria: ACMG Guidelines, 2015. Collection method: clinical testing. Allele origin: germline. Affected: no.

PreventionGenetics, part of Exact Sciences
Classification: Likely benign for AR-related condition. Last evaluated: 2023-04-19. Review status: no assertion criteria provided. Collection method: clinical testing. Allele origin: germline. Not counted in ClinVar's aggregate classification.
Comment: This variant is classified as likely benign based on ACMG/AMP sequence variant interpretation guidelines (Richards et al. 2015 PMID: 25741868, with internal and published modifications).

Literature cited by the submitters: PubMed 29693241 (cited by Women's Health and Genetics/Laboratory Corporation of America, LabCorp).